The following is an entry in ClinVar:

NM_001267550.2(TTN):c.36701-16A>G

Gene: TTN (titin; minus strand). Cytogenetic location: 2q31.2.
Variant type: single nucleotide variant.
Coding change: c.36701-16A>G on transcript NM_001267550.2 (MANE Select); 16 bases into the intron before coding-DNA position 36701, A replaced by G.
Molecular consequence: intron variant.
Genome position (GRCh38, 1-based): chr2:178,663,071, T>C on the plus strand (A>G on the coding strand, the complement: TTN is on the minus strand). VCF-style: chr2-178663071-T-C. GRCh37 (hg19) VCF-style: chr2-179527798-T-C.
Other names: c.13283-20754A>G (NM_003319.4); c.13859-20754A>G (NM_133437.4); c.13658-20754A>G (NM_133432.3); c.31484-16A>G (NM_133378.4); c.34265-16A>G (NM_001256850.1).
Identifiers: ClinVar variation 380269 (VCV000380269.8), dbSNP rs577899845, ClinGen allele CA1997359.

ClinVar aggregate classification (germline): Benign/Likely benign. Review status: criteria provided, multiple submitters, no conflicts (2 of 4 stars). 9 submissions from 6 submitters: Benign (5); Likely benign (2). 2 of the submissions do not count toward it. Last evaluated 2022-11-21.

Conditions:
Autosomal recessive limb-girdle muscular dystrophy type 2J (LGMDR10). Also called: MUSCULAR DYSTROPHY, LIMB-GIRDLE, AUTOSOMAL RECESSIVE 10; Limb-girdle muscular dystrophy, type 2J. Identifiers: Orphanet 140922, MedGen C1837342, MONDO:0012127, OMIM 608807.
Tibial muscular dystrophy (TMD). Also called: UDD MYOPATHY; Tibial muscular dystrophy, tardive; Udd Distal Myopathy – Tibial Muscular Dystrophy. Identifiers: Orphanet 609, MedGen C1838244, MONDO:0010870, OMIM 600334.
Myopathy, myofibrillar, 9, with early respiratory failure (MFM9). Also called: EDSTROM MYOPATHY; Myopathy, distal, with early respiratory failure, autosomal dominant; Hereditary myopathy with early respiratory failure; MYOPATHY, PROXIMAL, WITH EARLY RESPIRATORY MUSCLE INVOLVEMENT. Identifiers: Orphanet 178464, Orphanet 34521, MedGen C1863599, MONDO:0011362, OMIM 603689.
Early-onset myopathy with fatal cardiomyopathy (CMYO5). Also called: CONGENITAL MYOPATHY 5 WITH CARDIOMYOPATHY; Salih Myopathy. Identifiers: Orphanet 289377, MedGen C2673677, MONDO:0012714, OMIM 611705. Disease mechanism: loss of function.

Allele frequency attached by ClinVar (database versions not stated): ExAC 0.00032; gnomAD 0.00081; 1000 Genomes Project 0.00100.

Submissions (9):

Blueprint Genetics
Classification: Likely benign. Last evaluated: 2022-11-21. Review status: criteria provided, single submitter. Criteria: ACMG Guidelines, 2015. Collection method: clinical testing. Allele origin: germline.

Genome-Nilou Lab
Classification: Benign for Autosomal recessive limb-girdle muscular dystrophy type 2J. Last evaluated: 2021-09-10. Review status: criteria provided, single submitter. Criteria: ACMG Guidelines, 2015. Collection method: clinical testing. Allele origin: germline. Affected: no.

Genome-Nilou Lab
Classification: Benign for Myopathy, myofibrillar, 9, with early respiratory failure. Last evaluated: 2021-09-10. Review status: criteria provided, single submitter. Criteria: ACMG Guidelines, 2015. Collection method: clinical testing. Allele origin: germline. Affected: no.

Genome-Nilou Lab
Classification: Benign for Early-onset myopathy with fatal cardiomyopathy. Last evaluated: 2021-09-10. Review status: criteria provided, single submitter. Criteria: ACMG Guidelines, 2015. Collection method: clinical testing. Allele origin: germline. Affected: no.

Genome-Nilou Lab
Classification: Benign for Tibial muscular dystrophy. Last evaluated: 2021-09-10. Review status: criteria provided, single submitter. Criteria: ACMG Guidelines, 2015. Collection method: clinical testing. Allele origin: germline. Affected: no.

Women's Health and Genetics/Laboratory Corporation of America, LabCorp
Classification: Benign. Last evaluated: 2020-08-24. Review status: criteria provided, single submitter. Criteria: LabCorp Variant Classification Summary - May 2015. Collection method: clinical testing. Allele origin: germline.
Comment: Variant summary: TTN c.31484-16A>G alters a non-conserved nucleotide located close to a canonical splice site and therefore could affect mRNA splicing, leading to a significantly altered protein sequence. 4/4 computational tools predict no significant impact on normal splicing. However, these predictions have yet to be confirmed by functional studies. The variant allele was found at a frequency of 0.00033 in 122888 control chromosomes, predominantly at a frequency of 0.0026 within the African or African-American subpopulation in the gnomAD database. The observed variant frequency within African or African-American control individuals in the gnomAD database is approximately 7 fold of the estimated maximal expected allele frequency for a pathogenic variant in TTN causing Dilated Cardiomyopathy phenotype (0.00039), strongly suggesting that the variant is a benign polymorphism found primarily in populations of African or African-American origin. To our knowledge, no occurrence of c.31484-16A>G in individuals affected with Dilated Cardiomyopathy and no experimental evidence demonstrating its impact on protein function have been reported. One co-occurrence with another pathogenic variant has been internally reported (TTR c.424G>A, p.V142I), providing supporting evidence for a benign role. One ClinVar submitter (evaluation after 2014) cites the variant as likely benign. Based on the evidence outlined above, the variant was classified as benign.

GeneDx
Classification: Likely benign. Last evaluated: 2018-01-11. Review status: criteria provided, single submitter. Criteria: GeneDx Variant Classification (06012015). Collection method: clinical testing. Allele origin: germline. Affected: yes.
Comment: This variant is considered likely benign or benign based on one or more of the following criteria: it is a conservative change, it occurs at a poorly conserved position in the protein, it is predicted to be benign by multiple in silico algorithms, and/or has population frequency not consistent with disease.

Clinical Genetics, Academic Medical Center
Classification: Benign. Review status: no assertion criteria provided. Collection method: clinical testing. Allele origin: germline. Affected: yes. Study: VKGL Data-share Consensus. Not counted in ClinVar's aggregate classification.

Diagnostic Laboratory, Department of Genetics, University Medical Center Groningen
Classification: Likely benign. Review status: no assertion criteria provided. Collection method: clinical testing. Allele origin: germline. Affected: yes. Study: VKGL Data-share Consensus. Not counted in ClinVar's aggregate classification.